The following is an entry in ClinVar:

ClinVar aggregate classification (germline): Uncertain significance (1 of 4 stars; one submission).

Conditions:
Brachyolmia-amelogenesis imperfecta syndrome. Also called: Tooth agenesis, selective, 6; Dental anomalies and short stature; PLATYSPONDYLY WITH AMELOGENESIS IMPERFECTA. Identifiers: Orphanet 2899, MedGen C1832594, MONDO:0011018, OMIM 601216. Disease mechanism: loss of function.

Submission:

Labcorp Genetics (formerly Invitae), Labcorp
Classification: Uncertain significance for Brachyolmia-amelogenesis imperfecta syndrome. Last evaluated: 2021-04-22. Review status: criteria provided, single submitter. Criteria: Invitae Variant Classification Sherloc (09022015). Collection method: clinical testing. Allele origin: germline.
Comment: In summary, the available evidence is currently insufficient to determine the role of this variant in disease. Therefore, it has been classified as a Variant of Uncertain Significance. Algorithms developed to predict the effect of missense changes on protein structure and function are either unavailable or do not agree on the potential impact of this missense change (SIFT: "Tolerated"; PolyPhen-2: "Possibly Damaging"; Align-GVGD: "Class C0"). This variant has not been reported in the literature in individuals with LTBP3-related conditions. This variant is not present in population databases (ExAC no frequency). This sequence change replaces serine with arginine at codon 1191 of the LTBP3 protein (p.Ser1191Arg). The serine residue is moderately conserved and there is a moderate physicochemical difference between serine and arginine.

NM_001130144.3(LTBP3):c.3573C>A (p.Ser1191Arg)

Gene: LTBP3 (latent transforming growth factor beta binding protein 3; minus strand). Cytogenetic location: 11q13.1.
Variant type: single nucleotide variant.
Coding change: c.3573C>A on transcript NM_001130144.3 (MANE Select); coding-DNA position 3573, C replaced by A.
Protein change: p.Ser1191Arg; replaces serine 1191 with arginine.
Molecular consequence: missense variant.
Genome position (GRCh38, 1-based): chr11:65,539,603, G>T on the plus strand (C>A on the coding strand, the complement: LTBP3 is on the minus strand). VCF-style: chr11-65539603-G-T. GRCh37 (hg19) VCF-style: chr11-65307074-G-T.
Other names: c.3081C>A, p.Ser1027Arg (NM_001164266.1); c.3432C>A, p.Ser1144Arg (NM_021070.4); short protein forms S1191R, S1027R, S1144R.
Identifiers: ClinVar variation 1415557 (VCV001415557.8), dbSNP rs145046881, ClinGen allele CA381266582.
Genomic context (GRCh38, chr11:65,539,603, plus strand): 5'-CTCACCTCTTGGGGGCTTCCCCAACAGCAGGGGGCTTGTGTCCCAGAAGGAATTGCTCTC[G>T]CTCTGCGATGTCGGGCAATGGGACCCTGGGAGGAGCAGAACTGGTCAGCGACGTCCGGGT-3'
Protein context (NP_001123616.1, residues 1181-1201): GAGSHCPTSQ[Ser1191Arg]ESNSFWDTSP